The following is an entry in ClinVar:

NM_001004106.3(GRK6):c.1677A>G (p.Gln559=)

Genes: GRK6 (G protein-coupled receptor kinase 6; plus strand), PRR7-AS1 (PRR7 antisense RNA 1; minus strand). Cytogenetic location: 5q35.3.
Variant type: single nucleotide variant.
Coding change: c.1677A>G on transcript NM_001004106.3 (MANE Select); coding-DNA position 1677, A replaced by G.
Protein change: p.Gln559=; no amino-acid change (glutamine 559 retained).
Molecular consequence: synonymous variant.
Genome position (GRCh38, 1-based): chr5:177,441,053, A>G. VCF-style: chr5-177441053-A-G. GRCh37 (hg19) VCF-style: chr5-176868054-A-G.
Other names: c.1677A>G, p.Gln559= (NM_002082.4, NM_001004105.3); c.1047A>G, p.Gln349= (NM_001364164.2).
Identifiers: ClinVar variation 2656121 (VCV002656121.24), dbSNP rs55655231, ClinGen allele CA3582309.

ClinVar aggregate classification (germline): Likely benign (1 of 4 stars; one submission).

Allele frequency attached by ClinVar (database versions not stated): TOPMed 0.00103; ESP Exome Variant Server 0.00131; gnomAD 0.00138; 1000 Genomes Project 30x 0.00156; ExAC 0.00156; 1000 Genomes Project 0.00180; gnomAD exomes 0.00206.
gnomAD v4.1: 3,196 of 1,613,642 alleles (0.2%); highest among the groups gnomAD compares: South Asian, 0.45%; 17 homozygotes.

Submission:

CeGaT Center for Human Genetics Tuebingen
Classification: Likely benign. Last evaluated: 2022-05-01. Review status: criteria provided, single submitter. Criteria: CeGaT Center For Human Genetics Tuebingen Variant Classification Criteria Version 2. Collection method: clinical testing. Allele origin: germline. Affected: yes. Observed: 1 variant allele.
Comment: GRK6: BP4, BP7